The following is an entry in ClinVar:

ClinVar aggregate classification (germline): Uncertain significance (1 of 4 stars; one submission).

Conditions:
Inborn genetic diseases. Identifiers: MedGen C0950123, MeSH D030342.

Allele frequency attached by ClinVar (database versions not stated): TOPMed below 0.00001; gnomAD 0.00001; gnomAD exomes 0.00002; ExAC 0.00008.
gnomAD v4.1: 26 of 1,210,754 alleles (0.0021%); highest among the groups gnomAD compares: Admixed American, 0.057%; no homozygotes.

Submission:

Ambry Genetics
Classification: Uncertain significance for Inborn genetic diseases. Last evaluated: 2021-01-28. Review status: criteria provided, single submitter. Criteria: Ambry Variant Classification Scheme 2023. Collection method: clinical testing. Allele origin: germline.
Comment: The c.1315A>G (p.I439V) alteration is located in exon 3 (coding exon 3) of the PTCHD1 gene. This alteration results from a A to G substitution at nucleotide position 1315, causing the isoleucine (I) at amino acid position 439 to be replaced by a valine (V). The p.I439V alteration is predicted to be tolerated by in silico analysis. Based on insufficient or conflicting evidence, the clinical significance of this alteration remains unclear.

NM_173495.3(PTCHD1):c.1315A>G (p.Ile439Val)

Gene: PTCHD1 (patched domain containing 1; plus strand). Cytogenetic location: Xp22.11.
Variant type: single nucleotide variant.
Coding change: c.1315A>G on transcript NM_173495.3 (MANE Select); coding-DNA position 1315, A replaced by G.
Protein change: p.Ile439Val; replaces isoleucine 439 with valine.
Molecular consequence: missense variant.
Genome position (GRCh38, 1-based): chrX:23,392,833, A>G. VCF-style: chrX-23392833-A-G. GRCh37 (hg19) VCF-style: chrX-23410950-A-G.
Other names: short protein forms I439V.
Identifiers: ClinVar variation 2326573 (VCV002326573.2), dbSNP rs755597347, ClinGen allele CA10369148.